The following is an entry in ClinVar:

NM_001032283.3(TMPO):c.174C>G (p.Asn58Lys)

Genes: TMPO (thymopoietin; plus strand), TMPO-AS1 (TMPO antisense RNA 1; minus strand). Cytogenetic location: 12q23.1.
Variant type: single nucleotide variant.
Coding change: c.174C>G on transcript NM_001032283.3 (MANE Select); coding-DNA position 174, C replaced by G.
Protein change: p.Asn58Lys; replaces asparagine 58 with lysine.
Molecular consequence: missense variant. On other transcripts: non-coding transcript variant (1).
Genome position (GRCh38, 1-based): chr12:98,516,041, C>G. VCF-style: chr12-98516041-C-G. GRCh37 (hg19) VCF-style: chr12-98909819-C-G.
Other names: c.174C>G, p.Asn58Lys (NM_001032284.3, NM_001307975.2, NM_003276.2); short protein forms N58K.
Identifiers: ClinVar variation 2871712 (VCV002871712.4), dbSNP rs1220040656, ClinGen allele CA386239585.

ClinVar aggregate classification (germline): Uncertain significance. Review status: criteria provided, multiple submitters, no conflicts (2 of 4 stars). 2 submissions from 2 submitters: Uncertain significance (2). Last evaluated 2024-11-15.

Conditions:
Loeys-Dietz syndrome 2 (LDS2). Also called: Marfan Syndrome type 2; Marfan like connective tissue disorder; MFS 2; TGFBR2-Related Loeys-Dietz Syndrome; Marfan syndrome, type 2 (formerly); AORTIC ANEURYSM, FAMILIAL THORACIC 3. Identifiers: Orphanet 284973, Orphanet 558, MedGen C2674574, MONDO:0012427, OMIM 610168.

gnomAD v4.1: 22 of 1,611,542 alleles (0.0014%); highest among the groups gnomAD compares: Non-Finnish European, 0.0019%; no homozygotes.

Submissions (2):

Ambry Genetics
Classification: Uncertain significance. Last evaluated: 2024-11-15. Review status: criteria provided, single submitter. Criteria: Ambry Variant Classification Scheme 2023. Collection method: clinical testing. Allele origin: germline.

Labcorp Genetics (formerly Invitae), Labcorp
Classification: Uncertain significance for Loeys-Dietz syndrome 2. Last evaluated: 2023-12-30. Review status: criteria provided, single submitter. Criteria: Invitae Variant Classification Sherloc (09022015). Collection method: clinical testing. Allele origin: germline.
Comment: This sequence change replaces asparagine, which is neutral and polar, with lysine, which is basic and polar, at codon 58 of the TMPO protein (p.Asn58Lys). This variant is present in population databases (no rsID available, gnomAD 0.001%). This variant has not been reported in the literature in individuals affected with TMPO-related conditions. An algorithm developed to predict the effect of missense changes on protein structure and function (PolyPhen-2) suggests that this variant is likely to be disruptive. In summary, the available evidence is currently insufficient to determine the role of this variant in disease. Therefore, it has been classified as a Variant of Uncertain Significance.